The following is an entry in ClinVar:

ClinVar aggregate classification (germline): Conflicting classifications of pathogenicity. Review status: criteria provided, conflicting classifications (1 of 4 stars). 3 submissions from 3 submitters: Likely pathogenic (2); Uncertain significance (1). Last evaluated 2018-11-27.

Conditions:
TWIST1-related craniosynostosis (CRS1). Also called: CRANIOSYNOSTOSIS 1. Identifiers: Orphanet 63440, MedGen C4551902, MONDO:0007399, OMIM 123100. Inheritance: Heterogenous inheritance pattern.
Saethre-Chotzen syndrome (SCS). Also called: ACROCEPHALY, SKULL ASYMMETRY, AND MILD SYNDACTYLY; ACS III; CHOTZEN SYNDROME. Identifiers: Orphanet 794, MedGen C0175699, MONDO:0007042, OMIM 101400.

Submissions (3):

Labcorp Genetics (formerly Invitae), Labcorp
Classification: Likely pathogenic for TWIST1-related craniosynostosis; Saethre-Chotzen syndrome. Last evaluated: 2018-11-27. Review status: criteria provided, single submitter. Criteria: Invitae Variant Classification Sherloc (09022015). Collection method: clinical testing. Allele origin: germline.
Comment: This sequence change replaces arginine with proline at codon 110 of the TWIST1 protein (p.Arg110Pro). The arginine residue is highly conserved and there is a moderate physicochemical difference between arginine and proline. This variant is not present in population databases (ExAC no frequency). This variant has not been reported in the literature in individuals with TWIST1-related disease. ClinVar contains an entry for this variant (Variation ID: 426307). Algorithms developed to predict the effect of missense changes on protein structure and function (SIFT, PolyPhen-2, Align-GVGD) all suggest that this variant is likely to be disruptive, but these predictions have not been confirmed by published functional studies and their clinical significance is uncertain. In summary, the currently available evidence indicates that the variant is pathogenic, but additional data are needed to prove that conclusively. Therefore, this variant has been classified as Likely Pathogenic.

GeneDx
Classification: Uncertain significance. Last evaluated: 2017-04-20. Review status: criteria provided, single submitter. Criteria: GeneDx Variant Classification (06012015). Collection method: clinical testing. Allele origin: germline. Affected: yes.
Comment: The R110P variant in the TWIST1 gene has not been reported previously as a pathogenic variant, nor as a benign variant, to our knowledge. The R110P variant is not observed in large population cohorts (Lek et al., 2016; 1000 Genomes Consortium et al., 2015; Exome Variant Server). The R110P variant is a non-conservative amino acid substitution, which is likely to impact secondary protein structure as these residues differ in polarity, charge, size and/or other properties. This substitution occurs at a position that is conserved across species. In silico analysis predicts this variant is probably damaging to the protein structure/function. We interpret R110P as a variant of uncertain significance.

Department of Medical Genetics, Oslo University Hospital
Classification: Likely pathogenic for Saethre-Chotzen syndrome. Review status: criteria provided, single submitter. Criteria: ACMG Guidelines, 2015. Collection method: clinical testing. Allele origin: germline. Affected: yes. Observed: 1 variant allele, 1 heterozygote.

NM_000474.4(TWIST1):c.329G>C (p.Arg110Pro)

Gene: TWIST1 (twist family bHLH transcription factor 1; minus strand). Cytogenetic location: 7p21.1.
Variant type: single nucleotide variant.
Coding change: c.329G>C on transcript NM_000474.4 (MANE Select); coding-DNA position 329, G replaced by C.
Protein change: p.Arg110Pro; replaces arginine 110 with proline.
Molecular consequence: missense variant. On other transcripts: non-coding transcript variant (1).
Genome position (GRCh38, 1-based): chr7:19,116,993, C>G on the plus strand (G>C on the coding strand, the complement: TWIST1 is on the minus strand). VCF-style: chr7-19116993-C-G. GRCh37 (hg19) VCF-style: chr7-19156616-C-G.
Other names: short protein forms R110P.
Identifiers: ClinVar variation 426307 (VCV000426307.11), dbSNP rs1085307555, ClinGen allele CA367015670.